The following is an entry in ClinVar:

ClinVar aggregate classification (germline): Likely benign (0 of 4 stars; one submission).

Conditions:
CEP170B-related disorder. Also called: CEP170B-related condition.

Allele frequency attached by ClinVar (database versions not stated): gnomAD exomes 0.00043; ExAC 0.00154; ESP Exome Variant Server 0.00410; gnomAD 0.00437; TOPMed 0.00512; 1000 Genomes Project 0.00679; 1000 Genomes Project 30x 0.00687.
gnomAD v4.1: 1,323 of 1,612,100 alleles (0.082%); highest among the groups gnomAD compares: African/African-American, 1.5%; 12 homozygotes.

Submission:

PreventionGenetics, part of Exact Sciences
Classification: Likely benign for CEP170B-related condition. Last evaluated: 2019-02-21. Review status: no assertion criteria provided. Collection method: clinical testing. Allele origin: germline.
Comment: This variant is classified as likely benign based on ACMG/AMP sequence variant interpretation guidelines (Richards et al. 2015 PMID: 25741868, with internal and published modifications).

NM_001112726.3(CEP170B):c.3142C>T (p.Arg1048Cys)

Gene: CEP170B (centrosomal protein 170B; plus strand). Cytogenetic location: 14q32.33.
Variant type: single nucleotide variant.
Coding change: c.3142C>T on transcript NM_001112726.3 (MANE Select); coding-DNA position 3142, C replaced by T.
Protein change: p.Arg1048Cys; replaces arginine 1048 with cysteine.
Molecular consequence: missense variant.
Genome position (GRCh38, 1-based): chr14:104,887,381, C>T. VCF-style: chr14-104887381-C-T. GRCh37 (hg19) VCF-style: chr14-105353718-C-T.
Other names: c.2932C>T, p.Arg978Cys (NM_015005.3); short protein forms R1048C, R978C.
Identifiers: ClinVar variation 3040792 (VCV003040792.2), dbSNP rs62641740, ClinGen allele CA7376064.